The following is an entry in ClinVar:

NM_001458.5(FLNC):c.974A>G (p.Lys325Arg)

Gene: FLNC (filamin C; plus strand). Cytogenetic location: 7q32.1.
Variant type: single nucleotide variant.
Coding change: c.974A>G on transcript NM_001458.5 (MANE Select); coding-DNA position 974, A replaced by G.
Protein change: p.Lys325Arg; replaces lysine 325 with arginine.
Molecular consequence: missense variant.
Genome position (GRCh38, 1-based): chr7:128,837,991, A>G. VCF-style: chr7-128837991-A-G. GRCh37 (hg19) VCF-style: chr7-128478045-A-G.
Other names: c.974A>G, p.Lys325Arg (NM_001127487.2); short protein forms K325R.
Identifiers: ClinVar variation 4812594 (VCV004812594.1).

ClinVar aggregate classification (germline): Uncertain significance (1 of 4 stars; one submission).

Conditions:
Hypertrophic cardiomyopathy 26. Also called: Cardiomyopathy, familial hypertrophic, 26. Identifiers: Orphanet 75249, MedGen C4310749, MONDO:0014883, OMIM 617047.
Myofibrillar myopathy 5. Also called: Filaminopathy (type); FILAMINOPATHY, AUTOSOMAL DOMINANT. Identifiers: Orphanet 171445, MedGen C1836050, MONDO:0012289, OMIM 609524.
Distal myopathy with posterior leg and anterior hand involvement. Also called: WILLIAMS DISTAL MYOPATHY. Identifiers: Orphanet 63273, MedGen C3279722, MONDO:0013550, OMIM 614065.

Submission:

Labcorp Genetics (formerly Invitae), Labcorp
Classification: Uncertain significance for Distal myopathy with posterior leg and anterior hand involvement; Myofibrillar myopathy 5; Hypertrophic cardiomyopathy 26. Last evaluated: 2025-11-15. Review status: criteria provided, single submitter. Criteria: Invitae Variant Classification Sherloc (09022015). Collection method: clinical testing. Allele origin: germline.
Comment: This sequence change replaces lysine, which is basic and polar, with arginine, which is basic and polar, at codon 325 of the FLNC protein (p.Lys325Arg). This variant is not present in population databases (gnomAD no frequency). This variant has not been reported in the literature in individuals affected with FLNC-related conditions. Invitae Evidence Modeling of protein sequence and biophysical properties (such as structural, functional, and spatial information, amino acid conservation, physicochemical variation, residue mobility, and thermodynamic stability) has been performed for this missense variant. However, the output from this modeling did not meet the statistical confidence thresholds required to predict the impact of this variant on FLNC protein function. Algorithms developed to predict the effect of sequence changes on RNA splicing suggest that this variant may disrupt the consensus splice site. In summary, the available evidence is currently insufficient to determine the role of this variant in disease. Therefore, it has been classified as a Variant of Uncertain Significance.